The following is an entry in ClinVar:

ClinVar aggregate classification (germline): Uncertain significance. Review status: criteria provided, multiple submitters, no conflicts (2 of 4 stars). 2 submissions from 2 submitters: Uncertain significance (2). Last evaluated 2025-08-25.

Conditions:
Adams-Oliver syndrome 5 (AOS5). Identifiers: Orphanet 974, MedGen C4014970, MONDO:0014459, OMIM 616028.

gnomAD v4.1: 6 of 1,608,342 alleles (0.00037%); highest among the groups gnomAD compares: Non-Finnish European, 0.00051%; no homozygotes.

Submissions (2):

Labcorp Genetics (formerly Invitae), Labcorp
Classification: Uncertain significance for Adams-Oliver syndrome 5. Last evaluated: 2025-08-25. Review status: criteria provided, single submitter. Criteria: Invitae Variant Classification Sherloc (09022015). Collection method: clinical testing. Allele origin: germline.
Comment: This sequence change replaces glutamic acid, which is acidic and polar, with glycine, which is neutral and non-polar, at codon 1555 of the NOTCH1 protein (p.Glu1555Gly). This variant is not present in population databases (gnomAD no frequency). This variant has not been reported in the literature in individuals affected with NOTCH1-related conditions. ClinVar contains an entry for this variant (Variation ID: 1312983). Invitae Evidence Modeling of protein sequence and biophysical properties (such as structural, functional, and spatial information, amino acid conservation, physicochemical variation, residue mobility, and thermodynamic stability) indicates that this missense variant is not expected to disrupt NOTCH1 protein function with a negative predictive value of 80%. In summary, the available evidence is currently insufficient to determine the role of this variant in disease. Therefore, it has been classified as a Variant of Uncertain Significance.

GeneDx
Classification: Uncertain significance. Last evaluated: 2020-07-13. Review status: criteria provided, single submitter. Criteria: GeneDx Variant Classification Process June 2021. Collection method: clinical testing. Allele origin: germline. Affected: yes.
Comment: Not observed in large population cohorts (Lek et al., 2016); In silico analysis supports that this missense variant does not alter protein structure/function; Has not been previously published as pathogenic or benign to our knowledge

NM_017617.5(NOTCH1):c.4664A>G (p.Glu1555Gly)

Gene: NOTCH1 (notch receptor 1; minus strand). Cytogenetic location: 9q34.3.
Variant type: single nucleotide variant.
Coding change: c.4664A>G on transcript NM_017617.5 (MANE Select); coding-DNA position 4664, A replaced by G.
Protein change: p.Glu1555Gly; replaces glutamic acid 1555 with glycine.
Molecular consequence: missense variant.
Genome position (GRCh38, 1-based): chr9:136,505,027, T>C on the plus strand (A>G on the coding strand, the complement: NOTCH1 is on the minus strand). VCF-style: chr9-136505027-T-C. GRCh37 (hg19) VCF-style: chr9-139399479-T-C.
Other names: short protein forms E1555G.
Identifiers: ClinVar variation 1312983 (VCV001312983.3), dbSNP rs781602537, ClinGen allele CA375645680.